The following is an entry in ClinVar:

NM_000069.3(CACNA1S):c.3376G>T (p.Ala1126Ser)

Gene: CACNA1S (calcium voltage-gated channel subunit alpha1 S; minus strand). Cytogenetic location: 1q32.1.
Variant type: single nucleotide variant.
Coding change: c.3376G>T on transcript NM_000069.3 (MANE Select); coding-DNA position 3376, G replaced by T.
Protein change: p.Ala1126Ser; replaces alanine 1126 with serine.
Molecular consequence: missense variant.
Genome position (GRCh38, 1-based): chr1:201,060,696, C>A on the plus strand (G>T on the coding strand, the complement: CACNA1S is on the minus strand). VCF-style: chr1-201060696-C-A. GRCh37 (hg19) VCF-style: chr1-201029824-C-A.
Other names: short protein forms A1126S.
Identifiers: ClinVar variation 3071441 (VCV003071441.1), dbSNP rs1661014894, ClinGen allele CA344160333.

ClinVar aggregate classification (germline): Uncertain significance (1 of 4 stars; one submission).

Conditions:
Malignant hyperthermia, susceptibility to, 5 (MHS5). Also called: CACNA1S-Related Malignant Hyperthermia Susceptibility. Identifiers: Orphanet 423, MedGen C1866077, MONDO:0011163, OMIM 601887.

gnomAD v4.1: 3 of 1,614,170 alleles (0.00019%); highest among the groups gnomAD compares: Non-Finnish European, 0.00025%; no homozygotes.

Submission:

All of Us Research Program, National Institutes of Health
Classification: Uncertain significance for Malignant hyperthermia, susceptibility to, 5. Last evaluated: 2023-05-31. Review status: criteria provided, single submitter. Criteria: ACMG Guidelines, 2015. Collection method: clinical testing. Allele origin: germline. Inheritance: Autosomal dominant inheritance. Observed: 1 variant allele, 1 heterozygote.
Comment: This study involves interpretation of variants in research participants for the purpose of population health screening. Participant phenotype was not available at the time of variant classification. Additional details can be found in publication PMID: 35346344, PMCID: PMC8962531